The following is an entry in ClinVar:

ClinVar aggregate classification (germline): Uncertain significance (1 of 4 stars; one submission).

Submission:

Labcorp Genetics (formerly Invitae), Labcorp
Classification: Uncertain significance. Last evaluated: 2023-06-14. Review status: criteria provided, single submitter. Criteria: Invitae Variant Classification Sherloc (09022015). Collection method: clinical testing. Allele origin: germline.
Comment: This sequence change falls in intron 5 of the GUCA1A gene. It does not directly change the encoded amino acid sequence of the GUCA1A protein. It affects a nucleotide within the consensus splice site. This variant is not present in population databases (gnomAD no frequency). In summary, the available evidence is currently insufficient to determine the role of this variant in disease. Therefore, it has been classified as a Variant of Uncertain Significance. Variants that disrupt the consensus splice site are a relatively common cause of aberrant splicing (PMID: 17576681, 9536098). Algorithms developed to predict the effect of sequence changes on RNA splicing suggest that this variant may disrupt the consensus splice site. This variant has not been reported in the literature in individuals affected with GUCA1A-related conditions.

Literature cited by the submitters: PubMed 17576681; PubMed 9536098.

NM_001384910.1(GUCA1A):c.446-1G>T

Genes: GUCA1A (guanylate cyclase activator 1A; plus strand), GUCA1ANB-GUCA1A (GUCA1ANB-GUCA1A readthrough; plus strand). Cytogenetic location: 6p21.1.
Variant type: single nucleotide variant.
Coding change: c.446-1G>T on transcript NM_001384910.1 (MANE Select); the canonical splice acceptor site of the intron before coding-DNA position 446, G replaced by T.
Molecular consequence: splice acceptor variant.
Genome position (GRCh38, 1-based): chr6:42,179,242, G>T. VCF-style: chr6-42179242-G-T. GRCh37 (hg19) VCF-style: chr6-42146980-G-T.
Other names: c.446-1G>T (NM_001319061.2, NM_000409.5, NM_001319062.2).
Identifiers: ClinVar variation 2785198 (VCV002785198.3), dbSNP rs2546719784, ClinGen allele CA364110101.